The following is an entry in ClinVar:

ClinVar aggregate classification (germline): Uncertain significance. Review status: criteria provided, multiple submitters, no conflicts (2 of 4 stars). 2 submissions from 2 submitters: Uncertain significance (2). Last evaluated 2026-01-27.

Allele frequency attached by ClinVar (database versions not stated): gnomAD 0.00002 and 0.00003; TOPMed 0.00002; gnomAD exomes 0.00003 and 0.00004; ExAC 0.00007; ESP Exome Variant Server 0.00008; 1000 Genomes Project 30x 0.00016; 1000 Genomes Project 0.00020.
gnomAD v4.1: 52 of 1,613,386 alleles (0.0032%); highest among the groups gnomAD compares: South Asian, 0.014%; no homozygotes.

Submissions (2):

Labcorp Genetics (formerly Invitae), Labcorp
Classification: Uncertain significance. Last evaluated: 2026-01-27. Review status: criteria provided, single submitter. Criteria: Invitae Variant Classification Sherloc (09022015). Collection method: clinical testing. Allele origin: germline.
Comment: This sequence change replaces threonine, which is neutral and polar, with methionine, which is neutral and non-polar, at codon 914 of the TOP2B protein (p.Thr914Met). This variant is present in population databases (rs372579874, gnomAD 0.02%). This variant has not been reported in the literature in individuals affected with TOP2B-related conditions. ClinVar contains an entry for this variant (Variation ID: 1401698). An algorithm developed to predict the effect of missense changes on protein structure and function (PolyPhen-2) suggests that this variant is likely to be disruptive. In summary, the available evidence is currently insufficient to determine the role of this variant in disease. Therefore, it has been classified as a Variant of Uncertain Significance.

Ambry Genetics
Classification: Uncertain significance. Last evaluated: 2025-01-17. Review status: criteria provided, single submitter. Criteria: Ambry Variant Classification Scheme 2023. Collection method: clinical testing. Allele origin: germline.

NM_001330700.2(TOP2B):c.2756C>T (p.Thr919Met)

Gene: TOP2B (DNA topoisomerase II beta; minus strand). Cytogenetic location: 3p24.2.
Variant type: single nucleotide variant.
Coding change: c.2756C>T on transcript NM_001330700.2 (MANE Select); coding-DNA position 2756, C replaced by T.
Protein change: p.Thr919Met; replaces threonine 919 with methionine.
Molecular consequence: missense variant.
Genome position (GRCh38, 1-based): chr3:25,620,788, G>A on the plus strand (C>T on the coding strand, the complement: TOP2B is on the minus strand). VCF-style: chr3-25620788-G-A. GRCh37 (hg19) VCF-style: chr3-25662279-G-A.
Other names: c.2741C>T, p.Thr914Met (NM_001068.3); c.2741C>T (NM_001068.2); short protein forms T919M, T914M.
Identifiers: ClinVar variation 1401698 (VCV001401698.7), dbSNP rs372579874, ClinGen allele CA2288430.